The following is an entry in ClinVar:

NM_005045.4(RELN):c.1111A>T (p.Asn371Tyr)

Gene: RELN (reelin; minus strand). Cytogenetic location: 7q22.1.
Variant type: single nucleotide variant.
Coding change: c.1111A>T on transcript NM_005045.4 (MANE Select); coding-DNA position 1111, A replaced by T.
Protein change: p.Asn371Tyr; replaces asparagine 371 with tyrosine.
Molecular consequence: missense variant.
Genome position (GRCh38, 1-based): chr7:103,697,885, T>A on the plus strand (A>T on the coding strand, the complement: RELN is on the minus strand). VCF-style: chr7-103697885-T-A. GRCh37 (hg19) VCF-style: chr7-103338332-T-A.
Other names: c.1111A>T, p.Asn371Tyr (NM_173054.3); short protein forms N371Y.
Identifiers: ClinVar variation 3755548 (VCV003755548.2).

ClinVar aggregate classification (germline): Uncertain significance (1 of 4 stars; one submission).

Conditions:
Familial temporal lobe epilepsy 7. Identifiers: Orphanet 101046, MedGen C4225327, MONDO:0014639, OMIM 616436.
Norman-Roberts syndrome (LIS2). Also called: Lissencephaly 2 (Norman-Roberts type). Identifiers: Orphanet 89844, MedGen C0796089, MONDO:0009760, OMIM 257320.

Submission:

Labcorp Genetics (formerly Invitae), Labcorp
Classification: Uncertain significance for Familial temporal lobe epilepsy 7; Norman-Roberts syndrome. Last evaluated: 2024-11-18. Review status: criteria provided, single submitter. Criteria: Invitae Variant Classification Sherloc (09022015). Collection method: clinical testing. Allele origin: germline.
Comment: This sequence change replaces asparagine, which is neutral and polar, with tyrosine, which is neutral and polar, at codon 371 of the RELN protein (p.Asn371Tyr). This variant is not present in population databases (gnomAD no frequency). This variant has not been reported in the literature in individuals affected with RELN-related conditions. Invitae Evidence Modeling of protein sequence and biophysical properties (such as structural, functional, and spatial information, amino acid conservation, physicochemical variation, residue mobility, and thermodynamic stability) indicates that this missense variant is not expected to disrupt RELN protein function with a negative predictive value of 80%. In summary, the available evidence is currently insufficient to determine the role of this variant in disease. Therefore, it has been classified as a Variant of Uncertain Significance.